The following is an entry in ClinVar:

ClinVar aggregate classification (germline): Uncertain significance. Review status: criteria provided, multiple submitters, no conflicts (2 of 4 stars). 2 submissions from 2 submitters: Uncertain significance (2). Last evaluated 2025-12-02.

Allele frequency attached by ClinVar (database versions not stated): TOPMed below 0.00001.

Submissions (2):

Ambry Genetics
Classification: Uncertain significance. Last evaluated: 2025-12-02. Review status: criteria provided, single submitter. Criteria: Ambry Variant Classification Scheme 2023. Collection method: clinical testing. Allele origin: germline.

Labcorp Genetics (formerly Invitae), Labcorp
Classification: Uncertain significance. Last evaluated: 2022-07-13. Review status: criteria provided, single submitter. Criteria: Invitae Variant Classification Sherloc (09022015). Collection method: clinical testing. Allele origin: germline.
Comment: Algorithms developed to predict the effect of missense changes on protein structure and function are either unavailable or do not agree on the potential impact of this missense change (SIFT: "Deleterious"; PolyPhen-2: "Benign"; Align-GVGD: "Class C0"). This sequence change replaces isoleucine, which is neutral and non-polar, with threonine, which is neutral and polar, at codon 363 of the EPS8L2 protein (p.Ile363Thr). This variant is not present in population databases (gnomAD no frequency). This variant has not been reported in the literature in individuals affected with EPS8L2-related conditions. In summary, the available evidence is currently insufficient to determine the role of this variant in disease. Therefore, it has been classified as a Variant of Uncertain Significance.

NM_022772.4(EPS8L2):c.1088T>C (p.Ile363Thr)

Gene: EPS8L2 (EPS8 signaling adaptor L2; plus strand). Cytogenetic location: 11p15.5.
Variant type: single nucleotide variant.
Coding change: c.1088T>C on transcript NM_022772.4 (MANE Select); coding-DNA position 1088, T replaced by C.
Protein change: p.Ile363Thr; replaces isoleucine 363 with threonine.
Molecular consequence: missense variant.
Genome position (GRCh38, 1-based): chr11:722,429, T>C. VCF-style: chr11-722429-T-C. GRCh37 (hg19) VCF-style: chr11-722429-T-C.
Other names: c.1088T>C (NM_022772.3); short protein forms I363T.
Identifiers: ClinVar variation 1971145 (VCV001971145.6), dbSNP rs1862205414, ClinGen allele CA378971382.